The following is an entry in ClinVar:

NM_002691.4(POLD1):c.1494+10_1494+11delinsAT

Gene: POLD1 (DNA polymerase delta 1, catalytic subunit; plus strand). Cytogenetic location: 19q13.33.
Variant type: Indel.
Coding change: c.1494+10_1494+11delinsAT on transcript NM_002691.4 (MANE Select); bases 10 to 11 of the intron after coding-DNA position 1494, GC replaced by AT.
Molecular consequence: intron variant.
Genome position (GRCh38, 1-based): chr19:50,406,527-50,406,528, GC replaced by AT. VCF-style: chr19-50406527-GC-AT. GRCh37 (hg19) VCF-style: chr19-50909784-GC-AT.
Other names: c.1494+10_1494+11delinsAT (NM_001256849.1, NM_001308632.1).
Identifiers: ClinVar variation 2736090 (VCV002736090.3), dbSNP rs2513995693, ClinGen allele CA2697556679.

ClinVar aggregate classification (germline): Uncertain significance (1 of 4 stars; one submission).

Conditions:
POLD1-related polyposis and colorectal cancer syndrome (CRCS10). Also called: Colorectal cancer 10; Colorectal cancer, susceptibility to, 10; COLORECTAL CANCER, SUSCEPTIBILITY TO, ON CHROMOSOME 19q. Identifiers: Orphanet 220460, MedGen C2675481, MONDO:0012953, OMIM 612591.

Submission:

Labcorp Genetics (formerly Invitae), Labcorp
Classification: Uncertain significance for POLD1-related polyposis and colorectal cancer syndrome. Last evaluated: 2025-09-05. Review status: criteria provided, single submitter. Criteria: Invitae Variant Classification Sherloc (09022015). Collection method: clinical testing. Allele origin: germline.
Comment: This sequence change falls in intron 12 of the POLD1 gene. It does not directly change the encoded amino acid sequence of the POLD1 protein. Information on the frequency of this variant in the gnomAD database is not available, as this variant may be reported differently in the database. This variant has not been reported in the literature in individuals affected with POLD1-related conditions. ClinVar contains an entry for this variant (Variation ID: 2736090). Experimental studies and prediction algorithms are not available or were not evaluated, and the effect of this variant on mRNA splicing is currently unknown. In summary, the available evidence is currently insufficient to determine the role of this variant in disease. Therefore, it has been classified as a Variant of Uncertain Significance.